The following is an entry in ClinVar:

NM_213599.3(ANO5):c.1985A>G (p.Glu662Gly)

Gene: ANO5 (anoctamin 5; plus strand). Cytogenetic location: 11p14.3.
Variant type: single nucleotide variant.
Coding change: c.1985A>G on transcript NM_213599.3 (MANE Select); coding-DNA position 1985, A replaced by G.
Protein change: p.Glu662Gly; replaces glutamic acid 662 with glycine.
Molecular consequence: missense variant.
Genome position (GRCh38, 1-based): chr11:22,270,398, A>G. VCF-style: chr11-22270398-A-G. GRCh37 (hg19) VCF-style: chr11-22291944-A-G.
Other names: c.1982A>G, p.Glu661Gly (NM_001142649.2); short protein forms E661G, E662G.
Identifiers: ClinVar variation 1055563 (VCV001055563.9), dbSNP rs2133778741, ClinGen allele CA379923412.
Genomic context (GRCh38, chr11:22,270,398, plus strand): 5'-GAAAAGCTCGGACAAACTCTGAGAAGCTGTATAGTCGATGGGAGCAGGATCATGACCTTG[A>G]AAGTTTTGGACCCCTTGGGCTTTTCTATGAGTACTTAGAAACAGGTAATTTTTAACCACT-3'
Protein context (NP_998764.1, residues 652-672): YSRWEQDHDL[Glu662Gly]SFGPLGLFYE

ClinVar aggregate classification (germline): Uncertain significance (1 of 4 stars; one submission).

Conditions:
Autosomal recessive limb-girdle muscular dystrophy type 2L (LGMDR12). Also called: Limb-girdle muscular dystrophy, type 2L; MUSCULAR DYSTROPHY, LIMB-GIRDLE, AUTOSOMAL RECESSIVE 12; Limb-Girdle Muscular Dystrophy R12 Anoctamin-5-Related (LGMD-R12). Identifiers: Orphanet 206549, MedGen C1969785, MONDO:0012652, OMIM 611307.
Gnathodiaphyseal dysplasia (GDD). Also called: OSTEOGENESIS IMPERFECTA WITH UNUSUAL SKELETAL LESIONS; GNATHODIAPHYSEAL SCLEROSIS. Identifiers: Orphanet 53697, MedGen C1833736, MONDO:0008151, OMIM 166260.

Allele frequency attached by ClinVar (database versions not stated): gnomAD exomes below 0.00001.
gnomAD v4.1: 3 of 1,614,154 alleles (0.00019%); highest among the groups gnomAD compares: South Asian, 0.0011%; no homozygotes.

Submission:

Labcorp Genetics (formerly Invitae), Labcorp
Classification: Uncertain significance for Autosomal recessive limb-girdle muscular dystrophy type 2L; Gnathodiaphyseal dysplasia. Last evaluated: 2022-07-19. Review status: criteria provided, single submitter. Criteria: Invitae Variant Classification Sherloc (09022015). Collection method: clinical testing. Allele origin: germline.
Comment: This variant is not present in population databases (gnomAD no frequency). In summary, the available evidence is currently insufficient to determine the role of this variant in disease. Therefore, it has been classified as a Variant of Uncertain Significance. Advanced modeling of protein sequence and biophysical properties (such as structural, functional, and spatial information, amino acid conservation, physicochemical variation, residue mobility, and thermodynamic stability) performed at Invitae indicates that this missense variant is expected to disrupt ANO5 protein function. ClinVar contains an entry for this variant (Variation ID: 1055563). This variant has not been reported in the literature in individuals affected with ANO5-related conditions. This sequence change replaces glutamic acid, which is acidic and polar, with glycine, which is neutral and non-polar, at codon 662 of the ANO5 protein (p.Glu662Gly).